The following is an entry in ClinVar:

ClinVar aggregate classification (germline): Likely benign (1 of 4 stars; one submission).

Allele frequency attached by ClinVar (database versions not stated): gnomAD 0.00009.
gnomAD v4.1: 92 of 1,578,234 alleles (0.0058%); highest among the groups gnomAD compares: Middle Eastern, 0.1%; no homozygotes.

Submission:

CeGaT Center for Human Genetics Tuebingen
Classification: Likely benign. Last evaluated: 2023-04-01. Review status: criteria provided, single submitter. Criteria: CeGaT Center For Human Genetics Tuebingen Variant Classification Criteria Version 2. Collection method: clinical testing. Allele origin: germline. Affected: yes. Observed: 1 variant allele.
Comment: ROCK1: BP4, BP7

NM_005406.3(ROCK1):c.2518C>A (p.Arg840=)

Gene: ROCK1 (Rho associated coiled-coil containing protein kinase 1; minus strand). Cytogenetic location: 18q11.1.
Variant type: single nucleotide variant.
Coding change: c.2518C>A on transcript NM_005406.3 (MANE Select); coding-DNA position 2518, C replaced by A.
Protein change: p.Arg840=; no amino-acid change (arginine 840 retained).
Molecular consequence: synonymous variant.
Genome position (GRCh38, 1-based): chr18:20,982,804, G>T on the plus strand (C>A on the coding strand, the complement: ROCK1 is on the minus strand). VCF-style: chr18-20982804-G-T. GRCh37 (hg19) VCF-style: chr18-18562765-G-T.
Identifiers: ClinVar variation 2648611 (VCV002648611.24), dbSNP rs371191768, ClinGen allele CA8905667.